The following is an entry in ClinVar:

NM_005911.6(MAT2A):c.951+7A>G

Genes: GGCX (gamma-glutamyl carboxylase; minus strand), MAT2A (methionine adenosyltransferase 2A; plus strand). Cytogenetic location: 2p11.2.
Variant type: single nucleotide variant.
Coding change: c.951+7A>G on transcript NM_005911.6 (MANE Select); 7 bases into the intron after coding-DNA position 951, A replaced by G.
Molecular consequence: intron variant.
Genome position (GRCh38, 1-based): chr2:85,542,754, A>G. VCF-style: chr2-85542754-A-G. GRCh37 (hg19) VCF-style: chr2-85769877-A-G.
Identifiers: ClinVar variation 389582 (VCV000389582.11), dbSNP rs547236987, ClinGen allele CA1741505.
Genomic context (GRCh38, chr2:85,542,754, plus strand): 5'-TGGGTGGCAAAATCCCTTGTTAAAGGAGGTCTGTGCCGGAGGGTTCTTGTTCAGGTATAC[A>G]CTCTTTATATAACGAACGATTAAAAGTCATGTAAGTGGGAGGGTATTTAGTAGTAATCTA-3'

ClinVar aggregate classification (germline): Likely benign. Review status: criteria provided, multiple submitters, no conflicts (2 of 4 stars). 3 submissions from 3 submitters: Likely benign (3). Last evaluated 2026-01-08.

Conditions:
Familial thoracic aortic aneurysm and aortic dissection (TAAD). Also called: Thoracic aortic aneurysms and dissections. Identifiers: Orphanet 91387, MedGen C4707243, MONDO:0019625.

Allele frequency attached by ClinVar (database versions not stated): ExAC 0.00002; gnomAD 0.00002 and 0.00004; gnomAD exomes 0.00002; TOPMed 0.00005; 1000 Genomes Project 0.00060; 1000 Genomes Project 30x 0.00062.
gnomAD v4.1: 89 of 1,598,938 alleles (0.0056%); highest among the groups gnomAD compares: Admixed American, 0.021%; no homozygotes.

Submissions (3):

Labcorp Genetics (formerly Invitae), Labcorp
Classification: Likely benign for Familial thoracic aortic aneurysm and aortic dissection. Last evaluated: 2026-01-08. Review status: criteria provided, single submitter. Criteria: Invitae Variant Classification Sherloc (09022015). Collection method: clinical testing. Allele origin: germline.

Blueprint Genetics
Classification: Likely benign. Last evaluated: 2023-12-04. Review status: criteria provided, single submitter. Criteria: ACMG Guidelines, 2015. Collection method: clinical testing. Allele origin: germline.

GeneDx
Classification: Likely benign. Last evaluated: 2018-01-29. Review status: criteria provided, single submitter. Criteria: GeneDx Variant Classification (06012015). Collection method: clinical testing. Allele origin: germline. Affected: yes.
Comment: This variant is considered likely benign or benign based on one or more of the following criteria: it is a conservative change, it occurs at a poorly conserved position in the protein, it is predicted to be benign by multiple in silico algorithms, and/or has population frequency not consistent with disease.